The following is an entry in ClinVar:

NM_005422.4(TECTA):c.2785del (p.Val929fs)

Genes: TBCEL-TECTA (TBCEL-TECTA readthrough; plus strand), TECTA (tectorin alpha; plus strand), LOC126861365 (P300/CBP strongly-dependent group 1 enhancer GRCh37_chr11:121000154-121001353; plus strand). Cytogenetic location: 11q23.3.
Variant type: Deletion.
Coding change: c.2785del on transcript NM_005422.4 (MANE Select); coding-DNA position 2785, one base deleted (G; older notation c.2785delG).
Protein change: p.Val929fs; shifts the reading frame from valine 929.
Molecular consequence: frameshift variant.
Genome position (GRCh38, 1-based): chr11:121,130,055, G deleted; the last of 4 consecutive G bases (chr11:121,130,052-121,130,055); deleting any one gives the same sequence. VCF-style (leftmost placement, unchanged base first): chr11-121130051-TG-T. GRCh37 (hg19) VCF-style: chr11-121000760-TG-T.
Other names: c.3742del, p.Val1248fs (NM_001378761.1); short protein forms V1248fs, V929fs.
Identifiers: ClinVar variation 1065050 (VCV001065050.6), dbSNP rs34851638, ClinGen allele CA602580266.

ClinVar aggregate classification (germline): Pathogenic/Likely pathogenic. Review status: criteria provided, multiple submitters, no conflicts (2 of 4 stars). 2 submissions from 2 submitters: Pathogenic (1); Likely pathogenic (1). Last evaluated 2023-10-29.

Conditions:
Hearing impairment. Also called: Impaired Hearing. Identifiers: MedGen C1384666, MONDO:0005365, HP:0000365.

Submissions (2):

Labcorp Genetics (formerly Invitae), Labcorp
Classification: Pathogenic. Last evaluated: 2023-10-29. Review status: criteria provided, single submitter. Criteria: Invitae Variant Classification Sherloc (09022015). Collection method: clinical testing. Allele origin: germline.
Comment: This sequence change creates a premature translational stop signal (p.Val929Trpfs*2) in the TECTA gene. It is expected to result in an absent or disrupted protein product. Loss-of-function variants in TECTA are known to be pathogenic (PMID: 11087000, 12746400, 17431902, 24130743). This variant is present in population databases (no rsID available, gnomAD 0.007%). This variant has not been reported in the literature in individuals affected with TECTA-related conditions. ClinVar contains an entry for this variant (Variation ID: 1065050). For these reasons, this variant has been classified as Pathogenic.

Department of Otolaryngology – Head & Neck Surgery, Cochlear Implant Center
Classification: Likely pathogenic for Hearing impairment. Last evaluated: 2021-04-12. Review status: criteria provided, single submitter. Criteria: ClinGen HL ACMG Specifications v1. Collection method: clinical testing. Allele origin: germline. Affected: yes.
Comment: PVS1_Strong, PM2_Moderate

Literature cited by the submitters: PubMed 11087000 (cited by Labcorp Genetics (formerly Invitae), Labcorp); PubMed 12746400 (cited by Labcorp Genetics (formerly Invitae), Labcorp); PubMed 17431902 (cited by Labcorp Genetics (formerly Invitae), Labcorp); PubMed 24130743 (cited by Labcorp Genetics (formerly Invitae), Labcorp).